The following is an entry in ClinVar:

NM_001197104.2(KMT2A):c.10082T>C (p.Val3361Ala)

Gene: KMT2A (lysine methyltransferase 2A; plus strand). Cytogenetic location: 11q23.3.
Variant type: single nucleotide variant.
Coding change: c.10082T>C on transcript NM_001197104.2 (MANE Select); coding-DNA position 10082, T replaced by C.
Protein change: p.Val3361Ala; replaces valine 3361 with alanine.
Molecular consequence: missense variant.
Genome position (GRCh38, 1-based): chr11:118,505,974, T>C. VCF-style: chr11-118505974-T-C. GRCh37 (hg19) VCF-style: chr11-118376689-T-C.
Other names: c.10172T>C, p.Val3391Ala (NM_001412597.1); c.10073T>C, p.Val3358Ala (NM_005933.4); short protein forms V3358A, V3391A, V3361A.
Identifiers: ClinVar variation 2768203 (VCV002768203.3), dbSNP rs2134409863, ClinGen allele CA382822611.

ClinVar aggregate classification (germline): Uncertain significance (1 of 4 stars; one submission).

Submission:

Labcorp Genetics (formerly Invitae), Labcorp
Classification: Uncertain significance. Last evaluated: 2023-10-14. Review status: criteria provided, single submitter. Criteria: Invitae Variant Classification Sherloc (09022015). Collection method: clinical testing. Allele origin: germline.
Comment: This sequence change replaces valine, which is neutral and non-polar, with alanine, which is neutral and non-polar, at codon 3361 of the KMT2A protein (p.Val3361Ala). This variant is not present in population databases (gnomAD no frequency). This variant has not been reported in the literature in individuals affected with KMT2A-related conditions. Advanced modeling of protein sequence and biophysical properties (such as structural, functional, and spatial information, amino acid conservation, physicochemical variation, residue mobility, and thermodynamic stability) performed at Invitae indicates that this missense variant is not expected to disrupt KMT2A protein function. In summary, the available evidence is currently insufficient to determine the role of this variant in disease. Therefore, it has been classified as a Variant of Uncertain Significance.